The following is an entry in ClinVar:

NM_005219.5(DIAPH1):c.3638G>A (p.Arg1213Gln)

Gene: DIAPH1 (diaphanous related formin 1; minus strand). Cytogenetic location: 5q31.3.
Variant type: single nucleotide variant.
Coding change: c.3638G>A on transcript NM_005219.5 (MANE Select); coding-DNA position 3638, G replaced by A.
Protein change: p.Arg1213Gln; replaces arginine 1213 with glutamine.
Molecular consequence: missense variant.
Genome position (GRCh38, 1-based): chr5:141,524,166, C>T on the plus strand (G>A on the coding strand, the complement: DIAPH1 is on the minus strand). VCF-style: chr5-141524166-C-T. GRCh37 (hg19) VCF-style: chr5-140903733-C-T.
Other names: c.3611G>A, p.Arg1204Gln (NM_001079812.3); c.3638G>A, p.Arg1213Gln (NM_001314007.2); short protein forms R1204Q, R1213Q.
Identifiers: ClinVar variation 855139 (VCV000855139.9), dbSNP rs978882548, ClinGen allele CA128422980.

ClinVar aggregate classification (germline): Uncertain significance. Review status: criteria provided, multiple submitters, no conflicts (2 of 4 stars). 2 submissions from 2 submitters: Uncertain significance (2). Last evaluated 2025-11-06.

Conditions:
Progressive microcephaly-seizures-cortical blindness-developmental delay syndrome. Also called: Seizures, cortical blindness, and microcephaly syndrome. Identifiers: Orphanet 477814, MedGen C5567650, MONDO:0014714, OMIM 616632.
Autosomal dominant nonsyndromic hearing loss 1. Also called: KONIGSMARK SYNDROME; DEAFNESS, AUTOSOMAL DOMINANT 1, WITH OR WITHOUT THROMBOCYTOPENIA. Identifiers: Orphanet 90635, MedGen C1852282, MONDO:0007424, OMIM 124900.
DIAPH1-related disorder. Also called: DIAPH1-related condition.

Allele frequency attached by ClinVar (database versions not stated): TOPMed below 0.00001; gnomAD exomes 0.00002 and 0.00003.
gnomAD v4.1: 49 of 1,614,136 alleles (0.003%); highest among the groups gnomAD compares: Non-Finnish European, 0.0036%; no homozygotes.

Submissions (2):

PreventionGenetics, part of Exact Sciences
Classification: Uncertain significance for DIAPH1-related condition. Last evaluated: 2025-11-06. Review status: criteria provided, single submitter. Criteria: ACMG Guidelines, 2015. Collection method: clinical testing. Allele origin: germline.
Comment: The DIAPH1 c.3638G>A variant is predicted to result in the amino acid substitution p.Arg1213Gln. To our knowledge, this variant has not been reported in the literature. This variant is reported in 0.0056% of alleles in individuals of East Asian descent in gnomAD. At this time, the clinical significance of this variant is uncertain due to the absence of conclusive functional and genetic evidence.

Labcorp Genetics (formerly Invitae), Labcorp
Classification: Uncertain significance for Progressive microcephaly-seizures-cortical blindness-developmental delay syndrome; Autosomal dominant nonsyndromic hearing loss 1. Last evaluated: 2025-06-04. Review status: criteria provided, single submitter. Criteria: Invitae Variant Classification Sherloc (09022015). Collection method: clinical testing. Allele origin: germline.
Comment: This sequence change replaces arginine, which is basic and polar, with glutamine, which is neutral and polar, at codon 1213 of the DIAPH1 protein (p.Arg1213Gln). This variant is present in population databases (no rsID available, gnomAD 0.006%). This variant has not been reported in the literature in individuals affected with DIAPH1-related conditions. ClinVar contains an entry for this variant (Variation ID: 855139). An algorithm developed to predict the effect of missense changes on protein structure and function (PolyPhen-2) suggests that this variant is likely to be disruptive. In summary, the available evidence is currently insufficient to determine the role of this variant in disease. Therefore, it has been classified as a Variant of Uncertain Significance.